The following is an entry in ClinVar:

ClinVar aggregate classification (germline): Likely pathogenic. Review status: criteria provided, multiple submitters, no conflicts (2 of 4 stars). 2 submissions from 2 submitters: Likely pathogenic (2). Last evaluated 2025-02-21.

Conditions:
Dilated cardiomyopathy 1G (CMD1G). Identifiers: Orphanet 154, MedGen C1858763, MONDO:0011400, OMIM 604145.
Autosomal recessive limb-girdle muscular dystrophy type 2J (LGMDR10). Also called: Limb-girdle muscular dystrophy, type 2J; MUSCULAR DYSTROPHY, LIMB-GIRDLE, AUTOSOMAL RECESSIVE 10. Identifiers: Orphanet 140922, MedGen C1837342, MONDO:0012127, OMIM 608807.
Cardiovascular phenotype. Identifiers: MedGen CN230736.

Allele frequency attached by ClinVar (database versions not stated): gnomAD exomes below 0.00001.
gnomAD v4.1: 2 of 1,614,108 alleles (0.00012%); highest among the groups gnomAD compares: Non-Finnish European, 0.000085%; no homozygotes.

Submissions (2):

Ambry Genetics
Classification: Likely pathogenic for Cardiovascular phenotype. Last evaluated: 2025-02-21. Review status: criteria provided, single submitter. Criteria: Ambry Variant Classification Scheme 2023. Collection method: clinical testing. Allele origin: germline.
Comment: The p.R77* variant (also known as c.229C>T), located in coding exon 2 of the TTN gene, results from a C to T substitution at nucleotide position 229. This changes the amino acid from an arginine to a stop codon within coding exon 2. This exon is located in the Z-disk region of the N2-B isoform of the titin protein and is constitutively expressed in TTN transcripts (percent spliced in or PSI 100%). This variant is considered to be rare based on population cohorts in the Genome Aggregation Database (gnomAD). This variant is expected to result in loss of function by premature protein truncation or nonsense-mediated mRNA decay. While truncating variants in TTN are present in 1-3% of the general population, truncating variants in the A-band are the most common cause of dilated cardiomyopathy (Herman DS et al. N. Engl. J. Med., 2012 Feb;366:619-28; Roberts AM et al. Sci Transl Med, 2015 Jan;7:270ra6). TTN truncating variants encoded in constitutive exons (PSI >90%) have been found to be significantly associated with DCM regardless of their position in titin (Schafer S et al. Nat. Genet., 2017 01;49:46-53; Akhtar MM et al. Circ Heart Fail, 2020 Oct;13:e006832; Massier M et al. Clin Genet, 2025 Jan). Based on the majority of available evidence to date, this variant is likely to be pathogenic.

Labcorp Genetics (formerly Invitae), Labcorp
Classification: Likely pathogenic for Dilated cardiomyopathy 1G; Autosomal recessive limb-girdle muscular dystrophy type 2J. Last evaluated: 2024-04-29. Review status: criteria provided, single submitter. Criteria: Invitae Variant Classification Sherloc (09022015). Collection method: clinical testing. Allele origin: germline.
Comment: This sequence change creates a premature translational stop signal (p.Arg77*) in the TTN gene. While this is not anticipated to result in nonsense mediated decay, it is expected to create a truncated TTN protein. This variant is present in population databases (no rsID available, gnomAD 0.004%). This variant has not been reported in the literature in individuals affected with TTN-related conditions. ClinVar contains an entry for this variant (Variation ID: 2586576). This variant is located in the Z band of TTN (PMID: 25589632). Truncating variants in this region have been reported in individuals affected with autosomal recessive centronuclear myopathy (PMID: 33449170, Invitae internal data). Truncating variants in this region have also been identified in individuals affected with autosomal dominant dilated cardiomyopathy and/or cardio-related conditions (PMID: 27869827, 32964742, Invitae internal data). In summary, the currently available evidence indicates that the variant is pathogenic, but additional data are needed to prove that conclusively. Therefore, this variant has been classified as Likely Pathogenic.

Literature cited by the submitters: PubMed 25589632 (cited by Labcorp Genetics (formerly Invitae), Labcorp); PubMed 33449170 (cited by Labcorp Genetics (formerly Invitae), Labcorp); PubMed 27869827 (cited by Labcorp Genetics (formerly Invitae), Labcorp); PubMed 32964742 (cited by Labcorp Genetics (formerly Invitae), Labcorp).

NM_001267550.2(TTN):c.229C>T (p.Arg77Ter)

Gene: TTN (titin; minus strand). Cytogenetic location: 2q31.2.
Variant type: single nucleotide variant.
Coding change: c.229C>T on transcript NM_001267550.2 (MANE Select); coding-DNA position 229, C replaced by T.
Protein change: p.Arg77Ter; replaces arginine 77 with a stop codon.
Molecular consequence: nonsense.
Genome position (GRCh38, 1-based): chr2:178,802,204, G>A on the plus strand (C>T on the coding strand, the complement: TTN is on the minus strand). VCF-style: chr2-178802204-G-A. GRCh37 (hg19) VCF-style: chr2-179666931-G-A.
Other names: c.229C>T, p.Arg77Ter (NM_001256850.1, NM_003319.4, NM_133378.4 and 3 more transcripts); short protein forms R77*.
Identifiers: ClinVar variation 2586576 (VCV002586576.5), dbSNP rs1347415564, ClinGen allele CA349530672.